The following is an entry in ClinVar:

NM_198506.5(LRIT3):c.1910A>G (p.Gln637Arg)

Gene: LRIT3 (leucine rich repeat, Ig-like and transmembrane domains 3; plus strand). Cytogenetic location: 4q25.
Variant type: single nucleotide variant.
Coding change: c.1910A>G on transcript NM_198506.5 (MANE Select); coding-DNA position 1910, A replaced by G.
Protein change: p.Gln637Arg; replaces glutamine 637 with arginine.
Molecular consequence: missense variant.
Genome position (GRCh38, 1-based): chr4:109,870,659, A>G. VCF-style: chr4-109870659-A-G. GRCh37 (hg19) VCF-style: chr4-110791815-A-G.
Other names: short protein forms Q637R.
Identifiers: ClinVar variation 959021 (VCV000959021.6), dbSNP rs760879656, ClinGen allele CA3043285.
Genomic context (GRCh38, chr4:109,870,659, plus strand): 5'-GGGAAGATGATTTGGCAAAGGAGACTTATATCCAATTTGAGACCCTGTTTCCCAGGTCTC[A>G]AAGTGTAGGTGAGCTCTGGACACGAAGCCACAGGGATGACTCAGAGAAATTGCTGCTTTG-3'
Protein context (NP_940908.3, residues 627-647): IQFETLFPRS[Gln637Arg]SVGELWTRSH

ClinVar aggregate classification (germline): Uncertain significance (1 of 4 stars; one submission).

Allele frequency attached by ClinVar (database versions not stated): gnomAD exomes below 0.00001 and 0.00001; ExAC 0.00001; gnomAD 0.00001; TOPMed 0.00002.
gnomAD v4.1: 5 of 1,614,024 alleles (0.00031%); highest among the groups gnomAD compares: Admixed American, 0.005%; no homozygotes.

Submission:

Labcorp Genetics (formerly Invitae), Labcorp
Classification: Uncertain significance. Last evaluated: 2024-02-24. Review status: criteria provided, single submitter. Criteria: Invitae Variant Classification Sherloc (09022015). Collection method: clinical testing. Allele origin: germline.
Comment: This sequence change replaces glutamine, which is neutral and polar, with arginine, which is basic and polar, at codon 637 of the LRIT3 protein (p.Gln637Arg). This variant is present in population databases (rs760879656, gnomAD 0.009%). This variant has not been reported in the literature in individuals affected with LRIT3-related conditions. ClinVar contains an entry for this variant (Variation ID: 959021). An algorithm developed to predict the effect of missense changes on protein structure and function (PolyPhen-2) suggests that this variant is likely to be disruptive. In summary, the available evidence is currently insufficient to determine the role of this variant in disease. Therefore, it has been classified as a Variant of Uncertain Significance.